The following is an entry in ClinVar:

ClinVar aggregate classification (germline): Uncertain significance (1 of 4 stars; one submission).

Conditions:
Autosomal recessive limb-girdle muscular dystrophy type 2J (LGMDR10). Also called: Limb-girdle muscular dystrophy, type 2J; MUSCULAR DYSTROPHY, LIMB-GIRDLE, AUTOSOMAL RECESSIVE 10. Identifiers: Orphanet 140922, MedGen C1837342, MONDO:0012127, OMIM 608807.
Dilated cardiomyopathy 1G (CMD1G). Identifiers: Orphanet 154, MedGen C1858763, MONDO:0011400, OMIM 604145.

gnomAD v4.1: 6 of 1,613,978 alleles (0.00037%); highest among the groups gnomAD compares: African/African-American, 0.0027%; no homozygotes.

Submission:

Labcorp Genetics (formerly Invitae), Labcorp
Classification: Uncertain significance for Dilated cardiomyopathy 1G; Autosomal recessive limb-girdle muscular dystrophy type 2J. Last evaluated: 2025-03-26. Review status: criteria provided, single submitter. Criteria: Invitae Variant Classification Sherloc (09022015). Collection method: clinical testing. Allele origin: germline.
Comment: This sequence change replaces threonine, which is neutral and polar, with alanine, which is neutral and non-polar, at codon 35011 of the TTN protein (p.Thr35011Ala). This variant is present in population databases (rs533966614, gnomAD 0.007%). This variant has not been reported in the literature in individuals affected with TTN-related conditions. Experimental studies and prediction algorithms are not available or were not evaluated, and the functional significance of this variant is currently unknown. This variant is located in the M band of TTN (PMID: 25589632). Non-truncating variants in this region may be relevant for neuromuscular disorders, but have not been definitively shown to cause cardiomyopathy (PMID: 23975875). In summary, the available evidence is currently insufficient to determine the role of this variant in disease. Therefore, it has been classified as a Variant of Uncertain Significance.

Literature cited by the submitters: PubMed 25589632; PubMed 23975875.

NM_001267550.2(TTN):c.105031A>G (p.Thr35011Ala)

Genes: TTN (titin; minus strand), TTN-AS1 (TTN antisense RNA 1; plus strand). Cytogenetic location: 2q31.2.
Variant type: single nucleotide variant.
Coding change: c.105031A>G on transcript NM_001267550.2 (MANE Select); coding-DNA position 105031, A replaced by G.
Protein change: p.Thr35011Ala; replaces threonine 35011 with alanine.
Molecular consequence: missense variant.
Genome position (GRCh38, 1-based): chr2:178,531,584, T>C on the plus strand (A>G on the coding strand, the complement: TTN is on the minus strand). VCF-style: chr2-178531584-T-C. GRCh37 (hg19) VCF-style: chr2-179396311-T-C.
Other names: c.100108A>G, p.Thr33370Ala (NM_001256850.1); c.77836A>G, p.Thr25946Ala (NM_003319.4); c.97327A>G, p.Thr32443Ala (NM_133378.4); c.78211A>G, p.Thr26071Ala (NM_133432.3); c.78412A>G, p.Thr26138Ala (NM_133437.4); short protein forms T25946A, T26138A, T33370A, T32443A, T35011A, T26071A.
Identifiers: ClinVar variation 4788980 (VCV004788980.1).